The following is an entry in ClinVar:

ClinVar aggregate classification (germline): Uncertain significance (1 of 4 stars; one submission).

Conditions:
PLXNA1-related disorder. Also called: PLXNA1-related condition.

Allele frequency attached by ClinVar (database versions not stated): gnomAD exomes 0.00002.
gnomAD v4.1: 26 of 1,613,408 alleles (0.0016%); highest among the groups gnomAD compares: Non-Finnish European, 0.0021%; no homozygotes.

Submission:

PreventionGenetics, part of Exact Sciences
Classification: Uncertain significance for PLXNA1-related condition. Last evaluated: 2023-08-31. Review status: criteria provided, single submitter. Criteria: ACMG Guidelines, 2015. Collection method: clinical testing. Allele origin: germline.
Comment: The PLXNA1 c.496G>A variant is predicted to result in the amino acid substitution p.Ala166Thr. To our knowledge, this variant has not been reported in the literature or in a large population database, indicating this variant is rare. At this time, the clinical significance of this variant is uncertain due to the absence of conclusive functional and genetic evidence.

NM_032242.4(PLXNA1):c.496G>A (p.Ala166Thr)

Gene: PLXNA1 (plexin A1; plus strand). Cytogenetic location: 3q21.3.
Variant type: single nucleotide variant.
Coding change: c.496G>A on transcript NM_032242.4 (MANE Select); coding-DNA position 496, G replaced by A.
Protein change: p.Ala166Thr; replaces alanine 166 with threonine.
Molecular consequence: missense variant.
Genome position (GRCh38, 1-based): chr3:126,989,089, G>A. VCF-style: chr3-126989089-G-A. GRCh37 (hg19) VCF-style: chr3-126707932-G-A.
Other names: short protein forms A166T.
Identifiers: ClinVar variation 2628773 (VCV002628773.1), dbSNP rs2078976011, ClinGen allele CA354371332.